The following is an entry in ClinVar:

NM_000051.4(ATM):c.2512A>G (p.Met838Val)

Gene: ATM (ATM serine/threonine kinase; plus strand). Cytogenetic location: 11q22.3.
Variant type: single nucleotide variant.
Coding change: c.2512A>G on transcript NM_000051.4 (MANE Select); coding-DNA position 2512, A replaced by G.
Protein change: p.Met838Val; replaces methionine 838 with valine.
Molecular consequence: missense variant.
Genome position (GRCh38, 1-based): chr11:108,267,216, A>G. VCF-style: chr11-108267216-A-G. GRCh37 (hg19) VCF-style: chr11-108137943-A-G.
Other names: c.2512A>G, p.Met838Val (NM_001351834.2); short protein forms M838V.
Identifiers: ClinVar variation 524344 (VCV000524344.9), dbSNP rs1555082132, ClinGen allele CA382543398.
Genomic context (GRCh38, chr11:108,267,216, plus strand): 5'-TTCTCTTCCTTGAAGGCATCCTTCATCAAAAAGCCATTTGACCGTGGAGAAGTAGAATCA[A>G]TGGAAGATGATACTAATGGAAATCTAATGGAGGTGGAGGATCAGTCATCCATGAATCTAT-3'
Protein context (NP_000042.3, residues 828-848): KPFDRGEVES[Met838Val]EDDTNGNLME

ClinVar aggregate classification (germline): Uncertain significance. Review status: criteria provided, multiple submitters, no conflicts (2 of 4 stars). 5 submissions from 5 submitters: Uncertain significance (5). Last evaluated 2025-06-19.

Conditions:
Hereditary cancer-predisposing syndrome. Also called: Neoplastic Syndromes, Hereditary; Tumor predisposition; Hereditary Cancer Syndrome; Hereditary neoplastic syndrome. Identifiers: Orphanet 140162, MedGen C0027672, MeSH D009386, MONDO:0015356.
Ataxia-telangiectasia syndrome (AT). Also called: ATAXIA-TELANGIECTASIA, COMPLEMENTATION GROUP A; ATAXIA-TELANGIECTASIA, FRESNO VARIANT; Ataxia-telangiectasia; Ataxia-telangiectasia, complementation group D; AT, COMPLEMENTATION GROUP C; Ataxia-telangiectasia, complementation group E. Identifiers: Orphanet 100, MedGen C0004135, MONDO:0008840, OMIM 208900.

Allele frequency attached by ClinVar (database versions not stated): gnomAD exomes below 0.00001.
gnomAD v4.1: 1 of 1,614,168 alleles (0.000062%); highest among the groups gnomAD compares: African/African-American, 0.0013%; no homozygotes.

Submissions (5):

Women's Health and Genetics/Laboratory Corporation of America, LabCorp
Classification: Uncertain significance. Last evaluated: 2025-06-19. Review status: criteria provided, single submitter. Criteria: LabCorp Variant Classification Summary - May 2015. Collection method: clinical testing. Allele origin: germline.
Comment: Variant summary: ATM c.2512A>G (p.Met838Val) results in a conservative amino acid change in the encoded protein sequence. Algorithms developed to predict the effect of missense changes on protein structure and function all suggest that this variant is likely to be tolerated. The variant was absent in 251404 control chromosomes. The available data on variant occurrences in the general population are insufficient to allow any conclusion about variant significance. c.2512A>G has been observed in an individual affected with idiopathic-induced ocular telangiectasia (Mauget-Faysse_2003). This report do not provide unequivocal conclusions about association of the variant with Ataxia-Telangiectasia. To our knowledge, no experimental evidence demonstrating an impact on protein function has been reported. The following publication have been ascertained in the context of this evaluation (PMID: 12882767). ClinVar contains an entry for this variant (Variation ID: 524344). Based on the evidence outlined above, the variant was classified as uncertain significance.

Center for Genomic Medicine, Rigshospitalet, Copenhagen University Hospital
Classification: Uncertain significance. Last evaluated: 2025-03-04. Review status: criteria provided, single submitter. Criteria: ACMG Guidelines, 2015. Collection method: clinical testing. Allele origin: germline.

GeneDx
Classification: Uncertain significance. Last evaluated: 2024-01-09. Review status: criteria provided, single submitter. Criteria: GeneDx Variant Classification Process June 2021. Collection method: clinical testing. Allele origin: germline. Affected: yes.
Comment: Not observed at significant frequency in large population cohorts (gnomAD); In silico analysis supports that this missense variant does not alter protein structure/function; Observed in one individual with radiation induced choroidal telangiectasia (PMID: 12882767); This variant is associated with the following publications: (PMID: 12882767)

Labcorp Genetics (formerly Invitae), Labcorp
Classification: Uncertain significance for Ataxia-telangiectasia syndrome. Last evaluated: 2021-12-02. Review status: criteria provided, single submitter. Criteria: Invitae Variant Classification Sherloc (09022015). Collection method: clinical testing. Allele origin: germline.
Comment: This sequence change replaces methionine, which is neutral and non-polar, with valine, which is neutral and non-polar, at codon 838 of the ATM protein (p.Met838Val). This variant is not present in population databases (gnomAD no frequency). This missense change has been observed in individual(s) with idiopathic-induced ocular telangiectasia (PMID: 12882767). ClinVar contains an entry for this variant (Variation ID: 524344). Advanced modeling of protein sequence and biophysical properties (such as structural, functional, and spatial information, amino acid conservation, physicochemical variation, residue mobility, and thermodynamic stability) performed at Invitae indicates that this missense variant is not expected to disrupt ATM protein function. In summary, the available evidence is currently insufficient to determine the role of this variant in disease. Therefore, it has been classified as a Variant of Uncertain Significance.

Color Diagnostics, LLC DBA Color Health
Classification: Uncertain significance for Hereditary cancer-predisposing syndrome. Last evaluated: 2021-02-01. Review status: criteria provided, single submitter. Criteria: ACMG Guidelines, 2015. Collection method: clinical testing. Allele origin: germline.
Comment: This missense variant replaces methionine with valine at codon 838 of the ATM protein. Computational prediction suggests that this variant may not impact protein structure and function (internally defined REVEL score threshold <= 0.5, PMID: 27666373). To our knowledge, functional studies have not been reported for this variant. This variant has not been reported in individuals affected with hereditary cancer in the literature. This variant has not been identified in the general population by the Genome Aggregation Database (gnomAD). The available evidence is insufficient to determine the role of this variant in disease conclusively. Therefore, this variant is classified as a Variant of Uncertain Significance.

Literature cited by the submitters: PubMed 12882767 (cited by Women's Health and Genetics/Laboratory Corporation of America, LabCorp and Labcorp Genetics (formerly Invitae), Labcorp).